The following is an entry in ClinVar:

ClinVar aggregate classification (germline): Pathogenic (1 of 4 stars; one submission).

Submission:

GeneDx
Classification: Pathogenic. Last evaluated: 2024-12-11. Review status: criteria provided, single submitter. Criteria: GeneDx Variant Classification Process June 2021. Collection method: clinical testing. Allele origin: germline. Affected: yes.
Comment: Not observed at significant frequency in large population cohorts (gnomAD); In silico analysis supports that this missense variant has a deleterious effect on protein structure/function; This variant is associated with the following publications: (PMID: 34980693)

NM_001615.4(ACTG2):c.577A>T (p.Ile193Phe)

Gene: ACTG2 (actin gamma 2, smooth muscle; plus strand). Cytogenetic location: 2p13.1.
Variant type: single nucleotide variant.
Coding change: c.577A>T on transcript NM_001615.4 (MANE Select); coding-DNA position 577, A replaced by T.
Protein change: p.Ile193Phe; replaces isoleucine 193 with phenylalanine.
Molecular consequence: missense variant.
Genome position (GRCh38, 1-based): chr2:73,913,610, A>T. VCF-style: chr2-73913610-A-T. GRCh37 (hg19) VCF-style: chr2-74140737-A-T.
Other names: c.448A>T, p.Ile150Phe (NM_001199893.2); short protein forms I150F, I193F.
Identifiers: ClinVar variation 3903193 (VCV003903193.1).